The following is an entry in ClinVar:

ClinVar aggregate classification (germline): Benign/Likely benign. Review status: criteria provided, multiple submitters, no conflicts (2 of 4 stars). 7 submissions from 7 submitters: Benign (1); Likely benign (6). Last evaluated 2026-01-12.

Conditions:
Cardiomyopathy (CMYO). Also called: Cardiomyopathies. Identifiers: Orphanet 167848, MedGen C0878544, MONDO:0004994, HP:0001638. Inheritance: Various modes of inheritance.
Arrhythmogenic right ventricular cardiomyopathy (ARVD). Also called: Arrhythmogenic Right Ventricular Cardiomyopathy (ARVC); Arrhythmogenic right ventricular dysplasia; Cardiomyopathy, ARVC; Arrhythmogenic cardiomyopathy. Identifiers: Orphanet 247, MedGen C0349788, MeSH D019571, MONDO:0016587. Disease mechanism: loss of function. Inheritance: Various modes of inheritance.
Arrhythmogenic right ventricular dysplasia 9 (ARVD9). Also called: Arrhythmogenic Right Ventricular Dysplasia/Cardiomyopathy 9; ARRHYTHMOGENIC RIGHT VENTRICULAR DYSPLASIA, FAMILIAL, 9. Identifiers: MedGen C1836906, MONDO:0012180, OMIM 609040.
Cardiovascular phenotype. Identifiers: MedGen CN230736.

Allele frequency attached by ClinVar (database versions not stated): gnomAD exomes 0.00002; gnomAD 0.00004; TOPMed 0.00004.
gnomAD v4.1: 69 of 1,534,096 alleles (0.0045%); highest among the groups gnomAD compares: Non-Finnish European, 0.0058%; no homozygotes.

Submissions (7):

Labcorp Genetics (formerly Invitae), Labcorp
Classification: Likely benign for Arrhythmogenic right ventricular dysplasia 9. Last evaluated: 2026-01-12. Review status: criteria provided, single submitter. Criteria: Invitae Variant Classification Sherloc (09022015). Collection method: clinical testing. Allele origin: germline.

All of Us Research Program, National Institutes of Health
Classification: Likely benign for Arrhythmogenic right ventricular cardiomyopathy. Last evaluated: 2024-01-11. Review status: criteria provided, single submitter. Criteria: ACMG Guidelines, 2015. Collection method: clinical testing. Allele origin: germline. Inheritance: Autosomal dominant inheritance. Observed: 9 variant alleles, 9 heterozygotes.
Comment: This study involves interpretation of variants in research participants for the purpose of population health screening. Participant phenotype was not available at the time of variant classification. Additional details can be found in publication PMID: 35346344, PMCID: PMC8962531

Blueprint Genetics
Classification: Likely benign. Last evaluated: 2023-11-06. Review status: criteria provided, single submitter. Criteria: ACMG Guidelines, 2015. Collection method: clinical testing. Allele origin: germline.

Color Diagnostics, LLC DBA Color Health
Classification: Likely benign for Cardiomyopathy. Last evaluated: 2018-11-30. Review status: criteria provided, single submitter. Criteria: ACMG Guidelines, 2015. Collection method: clinical testing. Allele origin: germline.

Ambry Genetics
Classification: Likely benign for Cardiovascular phenotype. Last evaluated: 2018-08-29. Review status: criteria provided, single submitter. Criteria: Ambry Variant Classification Scheme 2023. Collection method: clinical testing. Allele origin: germline.

GeneDx
Classification: Benign. Last evaluated: 2015-03-03. Review status: criteria provided, single submitter. Criteria: GeneDx Variant Classification Process June 2021. Collection method: clinical testing. Allele origin: germline. Affected: yes.

Breakthrough Genomics
Classification: Likely benign. Review status: criteria provided, single submitter. Criteria: ACMG Guidelines, 2015. Collection method: not provided. Allele origin: germline. Inheritance: Autosomal dominant inheritance. Affected: yes.

NM_001005242.3(PKP2):c.213C>T (p.Ser71=)

Gene: PKP2 (plakophilin 2; minus strand). Cytogenetic location: 12p11.21.
Variant type: single nucleotide variant.
Coding change: c.213C>T on transcript NM_001005242.3 (MANE Select); coding-DNA position 213, C replaced by T.
Protein change: p.Ser71=; no amino-acid change (serine 71 retained).
Molecular consequence: synonymous variant.
Genome position (GRCh38, 1-based): chr12:32,896,519, G>A on the plus strand (C>T on the coding strand, the complement: PKP2 is on the minus strand). VCF-style: chr12-32896519-G-A. GRCh37 (hg19) VCF-style: chr12-33049453-G-A.
Other names: c.213C>T, p.Ser71= (NM_004572.4).
Identifiers: ClinVar variation 464421 (VCV000464421.20), dbSNP rs1173618581, ClinGen allele CA479175802.